The following is an entry in ClinVar:

NM_198576.4(AGRN):c.5401C>T (p.Pro1801Ser)

Gene: AGRN (agrin; plus strand). Cytogenetic location: 1p36.33.
Variant type: single nucleotide variant.
Coding change: c.5401C>T on transcript NM_198576.4 (MANE Select); coding-DNA position 5401, C replaced by T.
Protein change: p.Pro1801Ser; replaces proline 1801 with serine.
Molecular consequence: missense variant.
Genome position (GRCh38, 1-based): chr1:1,051,483, C>T. VCF-style: chr1-1051483-C-T. GRCh37 (hg19) VCF-style: chr1-986863-C-T.
Other names: c.5413C>T, p.Pro1805Ser (NM_001305275.2); c.5098C>T, p.Pro1700Ser (NM_001364727.2); short protein forms P1700S, P1801S, P1805S.
Identifiers: ClinVar variation 1052463 (VCV001052463.9), dbSNP rs2100688731, ClinGen allele CA337781477.

ClinVar aggregate classification (germline): Uncertain significance (1 of 4 stars; one submission).

Conditions:
Congenital myasthenic syndrome 8. Also called: MYASTHENIC SYNDROME, CONGENITAL, DUE TO AGRIN DEFICIENCY; Myasthenic syndrome, congenital, 8, with pre- and postsynaptic defects. Identifiers: Orphanet 590, MedGen C3808739, MONDO:0014052, OMIM 615120.

Submission:

Labcorp Genetics (formerly Invitae), Labcorp
Classification: Uncertain significance for Congenital myasthenic syndrome 8. Last evaluated: 2021-08-25. Review status: criteria provided, single submitter. Criteria: Invitae Variant Classification Sherloc (09022015). Collection method: clinical testing. Allele origin: germline.
Comment: In summary, the available evidence is currently insufficient to determine the role of this variant in disease. Therefore, it has been classified as a Variant of Uncertain Significance. Algorithms developed to predict the effect of missense changes on protein structure and function (SIFT, PolyPhen-2, Align-GVGD) all suggest that this variant is likely to be tolerated, but these predictions have not been confirmed by published functional studies and their clinical significance is uncertain. This variant has not been reported in the literature in individuals with AGRN-related conditions. The frequency data for this variant in the population databases is considered unreliable, as metrics indicate insufficient coverage at this position in the ExAC database. This sequence change replaces proline with serine at codon 1801 of the AGRN protein (p.Pro1801Ser). The proline residue is weakly conserved and there is a moderate physicochemical difference between proline and serine.